The following is an entry in ClinVar:

NM_002880.4(RAF1):c.89C>A (p.Pro30His)

Gene: RAF1 (Raf-1 proto-oncogene, serine/threonine kinase; minus strand). Cytogenetic location: 3p25.2.
Variant type: single nucleotide variant.
Coding change: c.89C>A on transcript NM_002880.4 (MANE Select); coding-DNA position 89, C replaced by A.
Protein change: p.Pro30His; replaces proline 30 with histidine.
Molecular consequence: missense variant. On other transcripts: 5 prime UTR variant (4), non-coding transcript variant (3).
Genome position (GRCh38, 1-based): chr3:12,618,633, G>T on the plus strand (C>A on the coding strand, the complement: RAF1 is on the minus strand). VCF-style: chr3-12618633-G-T. GRCh37 (hg19) VCF-style: chr3-12660132-G-T.
Other names: c.89C>A, p.Pro30His (NM_001354689.3, NM_001354690.3, NM_001354693.3); c.-42C>A (NM_001354691.3, NM_001354692.3, NM_001354694.3 and 1 more transcripts); short protein forms P30H.
Identifiers: ClinVar variation 2992542 (VCV002992542.3), dbSNP rs1179404518, ClinGen allele CA351485095.

ClinVar aggregate classification (germline): Uncertain significance (1 of 4 stars; one submission).

Conditions:
RASopathy. Also called: Noonan spectrum disorder; rasopathies. Identifiers: Orphanet 536391, MedGen C5555857, MONDO:0021060.

Allele frequency attached by ClinVar (database versions not stated): gnomAD exomes below 0.00001.
gnomAD v4.1: 1 of 1,614,168 alleles (0.000062%); highest among the groups gnomAD compares: African/African-American, 0.0013%; no homozygotes.

Submission:

Labcorp Genetics (formerly Invitae), Labcorp
Classification: Uncertain significance for RASopathy. Last evaluated: 2022-12-02. Review status: criteria provided, single submitter. Criteria: Invitae Variant Classification Sherloc (09022015). Collection method: clinical testing. Allele origin: germline.
Comment: This sequence change replaces proline, which is neutral and non-polar, with histidine, which is basic and polar, at codon 30 of the RAF1 protein (p.Pro30His). This variant is present in population databases (no rsID available, gnomAD 0.007%). This variant has not been reported in the literature in individuals affected with RAF1-related conditions. Advanced modeling of protein sequence and biophysical properties (such as structural, functional, and spatial information, amino acid conservation, physicochemical variation, residue mobility, and thermodynamic stability) performed at Invitae indicates that this missense variant is expected to disrupt RAF1 protein function. In summary, the available evidence is currently insufficient to determine the role of this variant in disease. Therefore, it has been classified as a Variant of Uncertain Significance.